The following is an entry in ClinVar:

NM_007294.4(BRCA1):c.3903T>A (p.Ser1301Arg)

Genes: BRCA1 (BRCA1 DNA repair associated; minus strand), LOC126862571 (BRD4-independent group 4 enhancer GRCh37_chr17:41243136-41244335; plus strand). Cytogenetic location: 17q21.31.
Variant type: single nucleotide variant.
Coding change: c.3903T>A on transcript NM_007294.4 (MANE Select); coding-DNA position 3903, T replaced by A.
Protein change: p.Ser1301Arg; replaces serine 1301 with arginine.
Molecular consequence: missense variant. On other transcripts: intron variant (135).
Genome position (GRCh38, 1-based): chr17:43,091,628, A>T on the plus strand (T>A on the coding strand, the complement: BRCA1 is on the minus strand). VCF-style: chr17-43091628-A-T. GRCh37 (hg19) VCF-style: chr17-41243645-A-T.
Other names: 4022T>A; c.3690T>A, p.Ser1230Arg (NM_001407571.1, NM_001407853.1, NM_001407894.1 and 9 more transcripts); c.3903T>A, p.Ser1301Arg (NM_001407581.1, NM_001407582.1, NM_001407583.1 and 30 more transcripts); c.3900T>A, p.Ser1300Arg (NM_001407587.1, NM_001407590.1, NM_001407591.1 and 22 more transcripts); c.3894T>A, p.Ser1298Arg (NM_001407646.1, NM_001407647.1); c.3780T>A, p.Ser1260Arg (NM_001407648.1, NM_001407664.1, NM_001407665.1 and 19 more transcripts); c.3777T>A, p.Ser1259Arg (NM_001407649.1, NM_001407670.1, NM_001407671.1 and 11 more transcripts); c.3825T>A, p.Ser1275Arg (NM_001407653.1, NM_001407654.1, NM_001407655.1 and 4 more transcripts); and 42 more; short protein forms S1301R, S1254R, S1190R, S1234R, S1253R, S1274R, S1174R, S1005R.
Identifiers: ClinVar variation 55044 (VCV000055044.17), dbSNP rs273900719, ClinGen allele CA002512.
Genomic context (GRCh38, chr17:43,091,628, plus strand): 5'-GGAAGAACCAATCAAGAAAGGATCCTGGGTGTTTGTATTTGCAGTCAAGTCTTCCAATTC[A>T]CTGCACTGTGAAGAAAACAAGCTAGCAGAACATTTTGTTTCCTCACTAAGGTGATGTTCC-3'
Protein context (NP_009225.1, residues 1291-1311): CSASLFSSQC[Ser1301Arg]ELEDLTANTN

ClinVar aggregate classification (germline): Conflicting classifications of pathogenicity. Review status: criteria provided, conflicting classifications (1 of 4 stars). 7 submissions from 7 submitters: Uncertain significance (4); Likely benign (1). 2 of the submissions do not count toward it. Last evaluated 2025-10-07.

Conditions:
Hereditary cancer-predisposing syndrome. Also called: Hereditary Cancer Syndrome; Hereditary neoplastic syndrome; Neoplastic Syndromes, Hereditary; Tumor predisposition. Identifiers: Orphanet 140162, MedGen C0027672, MeSH D009386, MONDO:0015356.
Breast-ovarian cancer, familial, susceptibility to, 1 (BROVCA1). Also called: BRCA1 Hereditary Breast and Ovarian Cancer; OVARIAN CANCER, SUSCEPTIBILITY TO. Identifiers: Orphanet 145, MedGen C2676676, MONDO:0011450, OMIM 604370. Disease mechanism: loss of function.
Hereditary breast ovarian cancer syndrome. Also called: BRCA1- and BRCA2-Associated Hereditary Breast and Ovarian Cancer; Hereditary breast and ovarian cancer syndrome; Hereditary breast and ovarian cancer syndrome (HBOC); Breast and ovarian cancer; Hereditary breast and/or ovarian cancer syndrome; Hereditary breast and ovarian cancer. Identifiers: Orphanet 145, MedGen C0677776, MeSH D061325, MONDO:0003582. Disease mechanism: loss of function.

Submissions (7):

Women's Health and Genetics/Laboratory Corporation of America, LabCorp
Classification: Uncertain significance. Last evaluated: 2025-10-07. Review status: criteria provided, single submitter. Criteria: LabCorp Variant Classification Summary - May 2015. Collection method: clinical testing. Allele origin: germline.
Comment: Variant summary: BRCA1 c.3903T>A (p.Ser1301Arg) results in a non-conservative amino acid change in the encoded protein sequence. Algorithms developed to predict the effect of missense changes on protein structure and function are either unavailable or do not agree on the potential impact of this missense change. The variant was absent in 251170 control chromosomes (gnomAD). The available data on variant occurrences in the general population are insufficient to allow any conclusion about variant significance. To our knowledge, no occurrence of c.3903T>A in individuals affected with BRCA1-related conditions has been reported. Publications report experimental evidence evaluating an impact on protein function. These results showed no damaging effect of this variant (Bouwman_2013, Bouwman_2020). The following publications have been ascertained in the context of this evaluation (PMID: 23867111, 32546644). ClinVar contains an entry for this variant (Variation ID: 55044). Based on the evidence outlined above, the variant was classified as uncertain significance.

Labcorp Genetics (formerly Invitae), Labcorp
Classification: Uncertain significance for Hereditary breast ovarian cancer syndrome. Last evaluated: 2025-07-20. Review status: criteria provided, single submitter. Criteria: Invitae Variant Classification Sherloc (09022015). Collection method: clinical testing. Allele origin: germline.
Comment: This sequence change replaces serine, which is neutral and polar, with arginine, which is basic and polar, at codon 1301 of the BRCA1 protein (p.Ser1301Arg). This variant is not present in population databases (gnomAD no frequency). This variant has not been reported in the literature in individuals affected with BRCA1-related conditions. ClinVar contains an entry for this variant (Variation ID: 55044). Invitae Evidence Modeling of protein sequence and biophysical properties (such as structural, functional, and spatial information, amino acid conservation, physicochemical variation, residue mobility, and thermodynamic stability) indicates that this missense variant is expected to disrupt BRCA1 protein function with a positive predictive value of 80%. Experimental studies have shown that this missense change does not substantially affect BRCA1 function (PMID: 23867111, 32546644). In summary, the available evidence is currently insufficient to determine the role of this variant in disease. Therefore, it has been classified as a Variant of Uncertain Significance.

Ambry Genetics
Classification: Uncertain significance for Hereditary cancer-predisposing syndrome. Last evaluated: 2024-02-26. Review status: criteria provided, single submitter. Criteria: Ambry Variant Classification Scheme 2023. Collection method: clinical testing. Allele origin: germline.
Comment: The p.S1301R variant (also known as c.3903T>A), located in coding exon 9 of the BRCA1 gene, results from a T to A substitution at nucleotide position 3903. The serine at codon 1301 is replaced by arginine, an amino acid with dissimilar properties. This amino acid position is not well conserved in available vertebrate species. In addition, the in silico prediction for this alteration is inconclusive. Since supporting evidence is limited at this time, the clinical significance of this alteration remains unclear.

University of Washington Department of Laboratory Medicine, University of Washington
Classification: Likely benign for Hereditary cancer-predisposing syndrome. Last evaluated: 2023-03-23. Review status: criteria provided, single submitter. Criteria: Dines et al. (Genet Med. 2020). Collection method: curation. Allele origin: germline.
Comment: Missense variant in a coldspot region where missense variants are very unlikely to be pathogenic (PMID:31911673).

BRCA1 coldspot (exon 11 using historical exon numbering). Reclassification based on statistical prior probability

Color Diagnostics, LLC DBA Color Health
Classification: Uncertain significance for Hereditary cancer-predisposing syndrome. Last evaluated: 2019-04-18. Review status: criteria provided, single submitter. Criteria: ACMG Guidelines, 2015. Collection method: clinical testing. Allele origin: germline.

Breast Cancer Information Core (BIC) (BRCA1)
Classification: Uncertain significance for Breast-ovarian cancer, familial 1. Last evaluated: 2011-10-19. Review status: no assertion criteria provided. Collection method: clinical testing. Allele origin: somatic. Affected: yes. Observed: 1 variant allele. Not counted in ClinVar's aggregate classification.

Sharing Clinical Reports Project (SCRP)
Classification: Uncertain significance for Breast-ovarian cancer, familial 1. Last evaluated: 2011-04-21. Review status: no assertion criteria provided. Collection method: clinical testing. Allele origin: germline. Not counted in ClinVar's aggregate classification.

Literature cited by the submitters: PubMed 23867111 (cited by Women's Health and Genetics/Laboratory Corporation of America, LabCorp and Labcorp Genetics (formerly Invitae), Labcorp); PubMed 32546644 (cited by Women's Health and Genetics/Laboratory Corporation of America, LabCorp and Labcorp Genetics (formerly Invitae), Labcorp).